The following is an entry in ClinVar:

ClinVar aggregate classification (germline): Benign/Likely benign. Review status: criteria provided, multiple submitters, no conflicts (2 of 4 stars). 5 submissions from 5 submitters: Benign (3); Likely benign (2). Last evaluated 2026-08-01.

Allele frequency attached by ClinVar (database versions not stated): gnomAD 0.00044 and 0.00049; ESP Exome Variant Server 0.00046; gnomAD exomes 0.00049 and 0.00104; TOPMed 0.00053; 1000 Genomes Project 30x 0.00078; 1000 Genomes Project 0.00080; ExAC 0.00110.
gnomAD v4.1: 818 of 1,613,936 alleles (0.051%); highest among the groups gnomAD compares: Middle Eastern, 0.41%; 2 homozygotes.

Submissions (5):

CeGaT Center for Human Genetics Tuebingen
Classification: Likely benign. Last evaluated: 2026-08-01. Review status: criteria provided, single submitter. Criteria: CeGaT Center For Human Genetics Tuebingen Variant Classification Criteria Version 2. Collection method: clinical testing. Allele origin: germline. Affected: yes. Observed: 11 variant alleles.
Comment: TRIO: BP4, BS1

Blueprint Genetics
Classification: Likely benign. Last evaluated: 2024-11-21. Review status: criteria provided, single submitter. Criteria: ACMG Guidelines, 2015. Collection method: clinical testing. Allele origin: germline.

Labcorp Genetics (formerly Invitae), Labcorp
Classification: Benign. Last evaluated: 2019-12-31. Review status: criteria provided, single submitter. Criteria: Invitae Variant Classification Sherloc (09022015). Collection method: clinical testing. Allele origin: germline.

GeneDx
Classification: Benign. Last evaluated: 2019-05-06. Review status: criteria provided, single submitter. Criteria: GeneDx Variant Classification Process June 2021. Collection method: clinical testing. Allele origin: germline. Affected: yes.

Breakthrough Genomics
Classification: Benign. Review status: criteria provided, single submitter. Criteria: ACMG Guidelines, 2015. Collection method: not provided. Allele origin: germline. Inheritance: Autosomal dominant inheritance. Affected: yes.

NM_007118.4(TRIO):c.1054-7C>T

Gene: TRIO (trio Rho guanine nucleotide exchange factor; plus strand). Cytogenetic location: 5p15.2.
Variant type: single nucleotide variant.
Coding change: c.1054-7C>T on transcript NM_007118.4 (MANE Select); 7 bases into the intron before coding-DNA position 1054, C replaced by T.
Molecular consequence: intron variant.
Genome position (GRCh38, 1-based): chr5:14,293,005, C>T. VCF-style: chr5-14293005-C-T. GRCh37 (hg19) VCF-style: chr5-14293114-C-T.
Identifiers: ClinVar variation 734556 (VCV000734556.31), dbSNP rs4702026, ClinGen allele CA3205551.